The following is an entry in ClinVar:

ClinVar aggregate classification (germline): Uncertain significance. Review status: criteria provided, single submitter (1 of 4 stars). 2 submissions from 2 submitters: Uncertain significance (1). 1 of the submissions does not count toward it. Last evaluated 2024-12-08.

Conditions:
Inborn genetic diseases. Identifiers: MedGen C0950123, MeSH D030342.
SAMD9-related disorder. Also called: SAMD9-related condition.

gnomAD v4.1: 5 of 1,613,764 alleles (0.00031%); highest among the groups gnomAD compares: Middle Eastern, 0.016%; no homozygotes.

Submissions (2):

Ambry Genetics
Classification: Uncertain significance for Inborn genetic diseases. Last evaluated: 2024-12-08. Review status: criteria provided, single submitter. Criteria: Ambry Variant Classification Scheme 2023. Collection method: clinical testing. Allele origin: germline.
Comment: The p.P1506R variant (also known as c.4517C>G), located in coding exon 1 of the SAMD9 gene, results from a C to G substitution at nucleotide position 4517. The proline at codon 1506 is replaced by arginine, an amino acid with dissimilar properties. This amino acid position is conserved. In addition, this alteration is predicted to be tolerated by in silico analysis. Based on the available evidence, the clinical significance of this variant remains unclear.

PreventionGenetics, part of Exact Sciences
Classification: Uncertain significance for SAMD9-related condition. Last evaluated: 2024-03-11. Review status: no assertion criteria provided. Collection method: clinical testing. Allele origin: germline. Not counted in ClinVar's aggregate classification.
Comment: The SAMD9 c.4517C>G variant is predicted to result in the amino acid substitution p.Pro1506Arg. To our knowledge, this variant has not been reported in the literature or in a large population database, indicating this variant is rare. At this time, the clinical significance of this variant is uncertain due to the absence of conclusive functional and genetic evidence.

NM_017654.4(SAMD9):c.4517C>G (p.Pro1506Arg)

Gene: SAMD9 (sterile alpha motif domain containing 9; minus strand). Cytogenetic location: 7q21.2.
Variant type: single nucleotide variant.
Coding change: c.4517C>G on transcript NM_017654.4 (MANE Select); coding-DNA position 4517, C replaced by G.
Protein change: p.Pro1506Arg; replaces proline 1506 with arginine.
Molecular consequence: missense variant.
Genome position (GRCh38, 1-based): chr7:93,101,581, G>C on the plus strand (C>G on the coding strand, the complement: SAMD9 is on the minus strand). VCF-style: chr7-93101581-G-C. GRCh37 (hg19) VCF-style: chr7-92730894-G-C.
Other names: c.4517C>G, p.Pro1506Arg (NM_001193307.2); short protein forms P1506R.
Identifiers: ClinVar variation 2628698 (VCV002628698.3), dbSNP rs149043237, ClinGen allele CA161989254.
Genomic context (GRCh38, chr7:93,101,581, plus strand): 5'-AGTTCTTGGACTTTTTCCTCCTTCCACACATCTCCACTCTGCCACAAGGAATTAATATCT[G>C]GTGTCTTCTTAAAGCACTGGTCAATTTTTCCTTTGTGAACAAGTCTTTCCAGTCTTTTAC-3'
Protein context (NP_060124.2, residues 1496-1516): GKIDQCFKKT[Pro1506Arg]DINSLWQSGD